The following is an entry in ClinVar:

ClinVar aggregate classification (germline): Benign/Likely benign. Review status: criteria provided, multiple submitters, no conflicts (2 of 4 stars). 7 submissions from 7 submitters: Benign (3); Likely benign (4). Last evaluated 2026-09-01.

Conditions:
CHARGE syndrome (CHARGE). Also called: CHARGE ASSOCIATION--COLOBOMA, HEART ANOMALY, CHOANAL ATRESIA, RETARDATION, GENITAL AND EAR ANOMALIES; Coloboma, heart anomaly, choanal atresia, retardation, genital and ear anomalies; CHARGE association; Hall-Hittner syndrome; Hittner Hirsch Kreh syndrome. Identifiers: Orphanet 138, MedGen C0265354, MONDO:0008965.
Inborn genetic diseases. Identifiers: MedGen C0950123, MeSH D030342.
Hypogonadotropic hypogonadism 5 with or without anosmia (KAL5). Also called: HYPOGONADOTROPIC HYPOGONADISM 5 WITH ANOSMIA; HYPOGONADOTROPHIC HYPOGONADISM 5 WITHOUT ANOSMIA; CHD7-Related GnRH Deficiency (Kallmann Syndrome 5). Identifiers: Orphanet 478, MedGen C3552553, MONDO:0012880, OMIM 612370. Disease mechanism: loss of function.

Allele frequency attached by ClinVar (database versions not stated): 1000 Genomes Project 30x 0.00016; 1000 Genomes Project 0.00020; gnomAD exomes 0.00022 and 0.00048; ESP Exome Variant Server 0.00024; gnomAD 0.00028 and 0.00029; ExAC 0.00042; TOPMed 0.00045.
gnomAD v4.1: 395 of 1,613,712 alleles (0.024%); highest among the groups gnomAD compares: Admixed American, 0.053%; 2 homozygotes.

Submissions (7):

CeGaT Center for Human Genetics Tuebingen
Classification: Likely benign. Last evaluated: 2026-09-01. Review status: criteria provided, single submitter. Criteria: CeGaT Center For Human Genetics Tuebingen Variant Classification Criteria Version 2. Collection method: clinical testing. Allele origin: germline. Affected: yes. Observed: 2 variant alleles.
Comment: CHD7: BP4, BS1

Labcorp Genetics (formerly Invitae), Labcorp
Classification: Benign for CHARGE syndrome. Last evaluated: 2026-02-01. Review status: criteria provided, single submitter. Criteria: Invitae Variant Classification Sherloc (09022015). Collection method: clinical testing. Allele origin: germline.

Blueprint Genetics
Classification: Benign. Last evaluated: 2024-10-23. Review status: criteria provided, single submitter. Criteria: ACMG Guidelines, 2015. Collection method: clinical testing. Allele origin: germline.

GeneDx
Classification: Benign. Last evaluated: 2019-11-01. Review status: criteria provided, single submitter. Criteria: GeneDx Variant Classification Process June 2021. Collection method: clinical testing. Allele origin: germline. Affected: yes.

Genetic Services Laboratory, University of Chicago
Classification: Likely benign. Last evaluated: 2018-09-11. Review status: criteria provided, single submitter. Criteria: ACMG Guidelines, 2015. Collection method: clinical testing. Allele origin: germline. Affected: no.

Ambry Genetics
Classification: Likely benign for Inborn genetic diseases. Last evaluated: 2018-03-10. Review status: criteria provided, single submitter. Criteria: Ambry Variant Classification Scheme 2023. Collection method: clinical testing. Allele origin: germline.

Illumina Laboratory Services, Illumina
Classification: Likely benign for Kallmann Syndrome 5. Last evaluated: 2018-01-12. Review status: criteria provided, single submitter. Criteria: ICSL Variant Classification Criteria 13 December 2019. Collection method: clinical testing. Allele origin: germline.
Comment: This variant was observed in the ICSL laboratory as part of a predisposition screen in an ostensibly healthy population. It had not been previously curated by ICSL or reported in the Human Gene Mutation Database (HGMD: prior to June 1st, 2018), and was therefore a candidate for classification through an automated scoring system. Utilizing variant allele frequency, disease prevalence and penetrance estimates, and inheritance mode, an automated score was calculated to assess if this variant is too frequent to cause the disease. Based on the score and internal cut-off values, a variant classified as likely benign is not then subjected to further curation. The score for this variant resulted in a classification of likely benign for this disease.

NM_017780.4(CHD7):c.444G>A (p.Arg148=)

Gene: CHD7 (chromodomain helicase DNA binding protein 7; plus strand). Cytogenetic location: 8q12.2.
Variant type: single nucleotide variant.
Coding change: c.444G>A on transcript NM_017780.4 (MANE Select); coding-DNA position 444, G replaced by A.
Protein change: p.Arg148=; no amino-acid change (arginine 148 retained).
Molecular consequence: synonymous variant.
Genome position (GRCh38, 1-based): chr8:60,741,876, G>A. VCF-style: chr8-60741876-G-A. GRCh37 (hg19) VCF-style: chr8-61654435-G-A.
Other names: c.444G>A (LRG_176t1); c.444G>A, p.Arg148= (NM_001316690.1).
Identifiers: ClinVar variation 363441 (VCV000363441.45), dbSNP rs376455384, ClinGen allele CA4759317.